The following is an entry in ClinVar:

ClinVar aggregate classification (germline): Likely benign. Review status: criteria provided, multiple submitters, no conflicts (2 of 4 stars). 2 submissions from 2 submitters: Likely benign (2). Last evaluated 2025-03-05.

Conditions:
SIGMAR1-related disorder. Also called: SIGMAR1-related condition.

gnomAD v4.1: 1,837 of 1,612,792 alleles (0.11%); highest among the groups gnomAD compares: Admixed American, 0.16%; 4 homozygotes.

Submissions (2):

PreventionGenetics, part of Exact Sciences
Classification: Likely benign for SIGMAR1-related condition. Last evaluated: 2025-03-05. Review status: criteria provided, single submitter. Criteria: ACMG Guidelines, 2015. Collection method: clinical testing. Allele origin: germline.
Comment: This variant is classified as likely benign based on ACMG/AMP sequence variant interpretation guidelines (Richards et al. 2015 PMID: 25741868, with internal and published modifications).

Blueprint Genetics
Classification: Likely benign. Last evaluated: 2024-10-02. Review status: criteria provided, single submitter. Criteria: ACMG Guidelines, 2015. Collection method: clinical testing. Allele origin: germline.

NM_005866.4(SIGMAR1):c.*42G>T

Gene: SIGMAR1 (sigma receptor chaperone 1; minus strand). Cytogenetic location: 9p13.3.
Variant type: single nucleotide variant.
Coding change: c.*42G>T on transcript NM_005866.4 (MANE Select); 42 bases downstream of the stop codon, G replaced by T.
Molecular consequence: 3 prime UTR variant. On other transcripts: non-coding transcript variant (1).
Genome position (GRCh38, 1-based): chr9:34,635,590, C>A on the plus strand (G>T on the coding strand, the complement: SIGMAR1 is on the minus strand). VCF-style: chr9-34635590-C-A. GRCh37 (hg19) VCF-style: chr9-34635587-C-A.
Other names: c.*28G>T (NM_001282205.2); c.*42G>T (NM_001282206.2, NM_001282207.2, NM_147157.3 and 1 more transcripts); c.*257G>T (NM_001282208.2); c.*241G>T (NM_001282209.2).
Identifiers: ClinVar variation 4903019 (VCV004903019.2).